The following is an entry in ClinVar:

NM_000057.4(BLM):c.3580A>G (p.Asn1194Asp)

Gene: BLM (BLM RecQ like helicase; plus strand). Cytogenetic location: 15q26.1.
Variant type: single nucleotide variant.
Coding change: c.3580A>G on transcript NM_000057.4 (MANE Select); coding-DNA position 3580, A replaced by G.
Protein change: p.Asn1194Asp; replaces asparagine 1194 with aspartic acid.
Molecular consequence: missense variant. On other transcripts: intron variant (1).
Genome position (GRCh38, 1-based): chr15:90,804,188, A>G. VCF-style: chr15-90804188-A-G. GRCh37 (hg19) VCF-style: chr15-91347418-A-G.
Other names: c.3580A>G, p.Asn1194Asp (NM_001287246.2); c.2455A>G, p.Asn819Asp (NM_001287248.2); c.3359-4949A>G (NM_001287247.2); short protein forms N819D, N1194D.
Identifiers: ClinVar variation 2050760 (VCV002050760.4), dbSNP rs2505549555, ClinGen allele CA393847924.

ClinVar aggregate classification (germline): Uncertain significance (1 of 4 stars; one submission).

Conditions:
Bloom syndrome (BLM). Also called: Bloom-Torre-Machacek syndrome. Identifiers: Orphanet 125, MedGen C0005859, MONDO:0008876, OMIM 210900.

Submission:

Labcorp Genetics (formerly Invitae), Labcorp
Classification: Uncertain significance for Bloom syndrome. Last evaluated: 2022-06-24. Review status: criteria provided, single submitter. Criteria: Invitae Variant Classification Sherloc (09022015). Collection method: clinical testing. Allele origin: germline.
Comment: This sequence change replaces asparagine, which is neutral and polar, with aspartic acid, which is acidic and polar, at codon 1194 of the BLM protein (p.Asn1194Asp). In summary, the available evidence is currently insufficient to determine the role of this variant in disease. Therefore, it has been classified as a Variant of Uncertain Significance. Algorithms developed to predict the effect of missense changes on protein structure and function are either unavailable or do not agree on the potential impact of this missense change (SIFT: "Tolerated"; PolyPhen-2: "Possibly Damaging"; Align-GVGD: "Class C0"). This variant has not been reported in the literature in individuals affected with BLM-related conditions. This variant is not present in population databases (gnomAD no frequency).